The following is an entry in ClinVar:

NM_020247.5(COQ8A):c.1097A>G (p.Gln366Arg)

Gene: COQ8A (coenzyme Q8A; plus strand). Cytogenetic location: 1q42.13.
Variant type: single nucleotide variant.
Coding change: c.1097A>G on transcript NM_020247.5 (MANE Select); coding-DNA position 1097, A replaced by G.
Protein change: p.Gln366Arg; replaces glutamine 366 with arginine.
Molecular consequence: missense variant.
Genome position (GRCh38, 1-based): chr1:226,983,568, A>G. VCF-style: chr1-226983568-A-G. GRCh37 (hg19) VCF-style: chr1-227171269-A-G.
Other names: short protein forms Q366R.
Identifiers: ClinVar variation 585373 (VCV000585373.8), dbSNP rs759470563, ClinGen allele CA1425308.

ClinVar aggregate classification (germline): Uncertain significance. Review status: criteria provided, multiple submitters, no conflicts (2 of 4 stars). 4 submissions from 4 submitters: Uncertain significance (4). Last evaluated 2025-05-05.

Conditions:
Autosomal recessive ataxia due to ubiquinone deficiency. Also called: Coenzyme Q10 deficiency, primary, 4; SPINOCEREBELLAR ATAXIA, AUTOSOMAL RECESSIVE 9. Identifiers: Orphanet 139485, MedGen C2677589, MONDO:0012784, OMIM 612016.

Allele frequency attached by ClinVar (database versions not stated): gnomAD exomes below 0.00001 and 0.00002; ExAC 0.00002; TOPMed 0.00005; gnomAD 0.00006 and 0.00007.
gnomAD v4.1: 11 of 1,613,806 alleles (0.00068%); highest among the groups gnomAD compares: African/African-American, 0.013%; no homozygotes.

Submissions (4):

GeneDx
Classification: Uncertain significance. Last evaluated: 2025-05-05. Review status: criteria provided, single submitter. Criteria: GeneDx Variant Classification Process June 2021. Collection method: clinical testing. Allele origin: germline. Affected: yes.
Comment: In silico analysis supports that this missense variant does not alter protein structure/function; Has not been previously published as pathogenic or benign to our knowledge

Labcorp Genetics (formerly Invitae), Labcorp
Classification: Uncertain significance. Last evaluated: 2022-08-21. Review status: criteria provided, single submitter. Criteria: Invitae Variant Classification Sherloc (09022015). Collection method: clinical testing. Allele origin: germline.
Comment: This sequence change replaces glutamine, which is neutral and polar, with arginine, which is basic and polar, at codon 366 of the COQ8A protein (p.Gln366Arg). This variant is present in population databases (rs759470563, gnomAD 0.02%). This variant has not been reported in the literature in individuals affected with COQ8A-related conditions. ClinVar contains an entry for this variant (Variation ID: 585373). Advanced modeling of protein sequence and biophysical properties (such as structural, functional, and spatial information, amino acid conservation, physicochemical variation, residue mobility, and thermodynamic stability) performed at Invitae indicates that this missense variant is not expected to disrupt COQ8A protein function. In summary, the available evidence is currently insufficient to determine the role of this variant in disease. Therefore, it has been classified as a Variant of Uncertain Significance.

Baylor Genetics
Classification: Uncertain significance for Autosomal recessive ataxia due to ubiquinone deficiency. Last evaluated: 2020-07-09. Review status: criteria provided, single submitter. Criteria: ACMG Guidelines, 2015. Collection method: clinical testing. Allele origin: unknown. Affected: yes.
Comment: This variant was determined to be of uncertain significance according to ACMG Guidelines, 2015 [PMID:25741868].

Athena Diagnostics
Classification: Uncertain significance. Last evaluated: 2017-11-21. Review status: criteria provided, single submitter. Criteria: Athena Diagnostics Criteria. Collection method: clinical testing. Allele origin: germline.